The following is an entry in ClinVar:

ClinVar aggregate classification (germline): Uncertain significance (1 of 4 stars; one submission).

Conditions:
Long QT syndrome (LQTS). Identifiers: MedGen C0023976, MeSH D008133, MONDO:0002442. Disease mechanism: loss of function. Inheritance: Various modes of inheritance.

Submission:

Labcorp Genetics (formerly Invitae), Labcorp
Classification: Uncertain significance for Long QT syndrome. Last evaluated: 2024-12-30. Review status: criteria provided, single submitter. Criteria: Invitae Variant Classification Sherloc (09022015). Collection method: clinical testing. Allele origin: germline.
Comment: This sequence change replaces arginine, which is basic and polar, with tryptophan, which is neutral and slightly polar, at codon 228 of the KCNQ1 protein (p.Arg228Trp). This variant is not present in population databases (gnomAD no frequency). This variant has not been reported in the literature in individuals affected with KCNQ1-related conditions. ClinVar contains an entry for this variant (Variation ID: 2413426). Invitae Evidence Modeling of protein sequence and biophysical properties (such as structural, functional, and spatial information, amino acid conservation, physicochemical variation, residue mobility, and thermodynamic stability) indicates that this missense variant is expected to disrupt KCNQ1 protein function with a positive predictive value of 95%. Experimental studies have shown that this missense change affects KCNQ1 function (PMID: 18398469). In summary, the available evidence is currently insufficient to determine the role of this variant in disease. Therefore, it has been classified as a Variant of Uncertain Significance.

Literature cited by the submitters: PubMed 18398469.

NM_000218.3(KCNQ1):c.682A>T (p.Arg228Trp)

Gene: KCNQ1 (potassium voltage-gated channel subfamily Q member 1; plus strand). Cytogenetic location: 11p15.5.
Variant type: single nucleotide variant.
Coding change: c.682A>T on transcript NM_000218.3 (MANE Select); coding-DNA position 682, A replaced by T.
Protein change: p.Arg228Trp; replaces arginine 228 with tryptophan.
Molecular consequence: missense variant.
Genome position (GRCh38, 1-based): chr11:2,571,402, A>T. VCF-style: chr11-2571402-A-T. GRCh37 (hg19) VCF-style: chr11-2592632-A-T.
Other names: c.682A>T, p.Arg228Trp (NM_001406836.1); c.412A>T, p.Arg138Trp (NM_001406837.1); c.301A>T, p.Arg101Trp (NM_181798.2); short protein forms R101W, R138W, R228W.
Identifiers: ClinVar variation 2413426 (VCV002413426.7), dbSNP rs2493670016, ClinGen allele CA379130731.